The following is an entry in ClinVar:

NM_144997.7(FLCN):c.927dup (p.Ala310fs)

Gene: FLCN (folliculin; minus strand). Cytogenetic location: 17p11.2.
Variant type: Duplication.
Coding change: c.927dup on transcript NM_144997.7 (MANE Select); coding-DNA position 927, one base duplicated (A; older notation c.927dupA).
Protein change: p.Ala310fs; shifts the reading frame from alanine 310.
Molecular consequence: frameshift variant.
Genome position (GRCh38, 1-based): chr17:17,219,154, T duplicated on the plus strand (A on the coding strand, the reverse complement: FLCN is on the minus strand); the first of 3 consecutive T bases (chr17:17,219,154-17,219,156); duplicating any one gives the same sequence. VCF-style (leftmost placement, unchanged base first): chr17-17219153-C-CT. GRCh37 (hg19) VCF-style: chr17-17122467-C-CT.
Other names: c.927dup (LRG_325t1, NM_144997.5); c.981dup, p.Ala328fs (NM_001353229.2); c.927dup, p.Ala310fs (NM_001353230.2, NM_001353231.2); short protein forms A310fs, A328fs.
Identifiers: ClinVar variation 253241 (VCV000253241.12), dbSNP rs879255669, ClinGen allele CA10586262.

ClinVar aggregate classification (germline): Pathogenic. Review status: criteria provided, multiple submitters, no conflicts (2 of 4 stars). 5 submissions from 5 submitters: Pathogenic (5). Last evaluated 2024-08-04.

Conditions:
Birt-Hogg-Dube syndrome. Also called: Birt Hogg Dubé syndrome. Identifiers: Orphanet 122, MedGen C0346010, MONDO:0800444.

Submissions (5):

Labcorp Genetics (formerly Invitae), Labcorp
Classification: Pathogenic for Birt-Hogg-Dube syndrome. Last evaluated: 2024-08-04. Review status: criteria provided, single submitter. Criteria: Invitae Variant Classification Sherloc (09022015). Collection method: clinical testing. Allele origin: germline.
Comment: This sequence change creates a premature translational stop signal (p.Ala310Serfs*80) in the FLCN gene. It is expected to result in an absent or disrupted protein product. Loss-of-function variants in FLCN are known to be pathogenic (PMID: 15852235). This variant is not present in population databases (gnomAD no frequency). This variant has not been reported in the literature in individuals affected with FLCN-related conditions. ClinVar contains an entry for this variant (Variation ID: 253241). For these reasons, this variant has been classified as Pathogenic.

Myriad Genetics, Inc.
Classification: Pathogenic for Birt-Hogg-Dube syndrome 1. Last evaluated: 2023-10-30. Review status: criteria provided, single submitter. Criteria: Myriad Autosomal Dominant, Autosomal Recessive and X-Linked Classification Criteria (2023). Collection method: clinical testing. Allele origin: unknown.
Comment: This variant is considered pathogenic. This variant creates a frameshift predicted to result in premature protein truncation.

Clinical Genetics and Genomics, Karolinska University Hospital
Classification: Pathogenic. Last evaluated: 2018-01-24. Review status: criteria provided, single submitter. Criteria: ACMG Guidelines, 2015. Collection method: clinical testing. Allele origin: germline. Affected: yes. Observed: 1 variant allele.

GeneDx
Classification: Pathogenic. Last evaluated: 2016-08-11. Review status: criteria provided, single submitter. Criteria: GeneDx Variant Classification (06012015). Collection method: clinical testing. Allele origin: germline. Affected: yes.
Comment: The c.927dupA variant in the FLCN gene has not been reported previously as a pathogenic variant, nor as a benign variant, to our knowledge. This duplication causes a frameshift starting with codon Alanine 310, changes this amino acid to a Serine residue and creates a premature Stop codon at position 80 of the new reading frame, denoted p.Ala310SerfsX80. This variant is predicted to cause loss of normal protein function either through protein truncation or nonsense-mediated mRNA decay.

Genomic Diagnostic Laboratory, Division of Genomic Diagnostics, Children's Hospital of Philadelphia
Classification: Pathogenic for Birt-Hogg-Dube Syndrome. Last evaluated: 2016-07-18. Review status: criteria provided, single submitter. Criteria: DGD Variant Analysis Guidelines. Collection method: clinical testing. Allele origin: germline. Observed: 1 variant allele.
Comment: Clinical Testing

Literature cited by the submitters: PubMed 15852235 (cited by Labcorp Genetics (formerly Invitae), Labcorp).